The following is an entry in ClinVar:

ClinVar aggregate classification (germline): Uncertain significance. Review status: criteria provided, multiple submitters, no conflicts (2 of 4 stars). 2 submissions from 2 submitters: Uncertain significance (2). Last evaluated 2025-08-23.

Conditions:
Brugada syndrome. Also called: Sudden unexpected nocturnal death syndrome; Sudden Unexplained Death Syndrome; Sudden Unexplained Nocturnal Death Syndrome (SUNDS); Sudden unexplained nocturnal death syndrome. Identifiers: Orphanet 130, MedGen C1142166, MONDO:0015263.

Submissions (2):

Ambry Genetics
Classification: Uncertain significance. Last evaluated: 2025-08-23. Review status: criteria provided, single submitter. Criteria: Ambry Variant Classification Scheme 2023. Collection method: clinical testing. Allele origin: germline.

Labcorp Genetics (formerly Invitae), Labcorp
Classification: Uncertain significance for Brugada syndrome. Last evaluated: 2021-08-31. Review status: criteria provided, single submitter. Criteria: Invitae Variant Classification Sherloc (09022015). Collection method: clinical testing. Allele origin: germline.
Comment: This sequence change replaces proline with serine at codon 94 of the KCNE5 protein (p.Pro94Ser). The proline residue is highly conserved and there is a moderate physicochemical difference between proline and serine. This variant is not present in population databases (ExAC no frequency). This variant has not been reported in the literature in individuals affected with KCNE5-related conditions. Algorithms developed to predict the effect of missense changes on protein structure and function output the following: SIFT: "Tolerated"; PolyPhen-2: "Benign"; Align-GVGD: "Class C0". The serine amino acid residue is found in multiple mammalian species, which suggests that this missense change does not adversely affect protein function. In summary, the available evidence is currently insufficient to determine the role of this variant in disease. Therefore, it has been classified as a Variant of Uncertain Significance.

NM_012282.4(KCNE5):c.280C>T (p.Pro94Ser)

Gene: KCNE5 (potassium voltage-gated channel subfamily E regulatory subunit 5; minus strand). Cytogenetic location: Xq23.
Variant type: single nucleotide variant.
Coding change: c.280C>T on transcript NM_012282.4 (MANE Select); coding-DNA position 280, C replaced by T.
Protein change: p.Pro94Ser; replaces proline 94 with serine.
Molecular consequence: missense variant.
Genome position (GRCh38, 1-based): chrX:109,624,741, G>A on the plus strand (C>T on the coding strand, the complement: KCNE5 is on the minus strand). VCF-style: chrX-109624741-G-A. GRCh37 (hg19) VCF-style: chrX-108867970-G-A.
Other names: short protein forms P94S.
Identifiers: ClinVar variation 969418 (VCV000969418.7), dbSNP rs374913815, ClinGen allele CA334283113.
Genomic context (GRCh38, chrX:109,624,741, plus strand): 5'-CGGCGTCGGCGGTCAGGGCGCCTCCCGGGGCCCATTCGTGCTCGGCGCAAGCCTGGGACG[G>A]CTCGTCCTTGGCCTCGACGAGCTTACGGGAGCGGGTGTAGGCCAGGATGAGGCCTCCGGC-3'
Protein context (NP_036414.1, residues 84-104): SRKLVEAKDE[Pro94Ser]SQACAEHEWA